The following is an entry in ClinVar:

NM_000051.4(ATM):c.8011-21T>G

Genes: ATM (ATM serine/threonine kinase; plus strand), C11orf65 (chromosome 11 open reading frame 65; minus strand). Cytogenetic location: 11q22.3.
Variant type: single nucleotide variant.
Coding change: c.8011-21T>G on transcript NM_000051.4 (MANE Select); 21 bases into the intron before coding-DNA position 8011, T replaced by G.
Molecular consequence: intron variant.
Genome position (GRCh38, 1-based): chr11:108,334,948, T>G. VCF-style: chr11-108334948-T-G. GRCh37 (hg19) VCF-style: chr11-108205675-T-G.
Other names: c.*38+272A>C (NM_001351110.2); c.8011-21T>G (NM_001351834.2); c.641-25877A>C (NM_001330368.2).
Identifiers: ClinVar variation 4057260 (VCV004057260.1).

ClinVar aggregate classification (germline): Benign (1 of 4 stars; one submission).

Conditions:
Breast-ovarian cancer, familial, susceptibility to, 2 (BROVCA2). Also called: BRCA2 Hereditary Breast and Ovarian Cancer. Identifiers: Orphanet 145, MedGen C2675520, MONDO:0012933, OMIM 612555. Disease mechanism: loss of function.

gnomAD v4.1: 1 of 1,606,502 alleles (0.000062%); highest among the groups gnomAD compares: Non-Finnish European, 0.000085%; no homozygotes.

Submission:

Dipartimento Di Medicina Di Precisione, Università Degli Studi Della Campania Luigi Vanvitelli
Classification: Benign for Breast-ovarian cancer, familial, susceptibility to, 2. Last evaluated: 2025-07-17. Review status: criteria provided, single submitter. Criteria: ACMG Guidelines, 2015. Collection method: clinical testing. Allele origin: germline. Inheritance: Autosomal dominant inheritance. Affected: yes. Observed: 1 heterozygote.
Comment: In silico splicing predictions using multiple tools (e.g., SpliceAI, MaxEntScan, and Human Splicing Finder) consistently indicate no significant impact on canonical splice sites or generation of cryptic sites. The variant does not affect conserved nucleotides and is not located within known regulatory regions. Based on ACMG/AMP guidelines and current available data, the variant is classified as benign.

Literature cited by the submitters: DOI 10.3390/ijms26135928.